The following is an entry in ClinVar:

NM_000277.3(PAH):c.820A>G (p.Lys274Glu)

Gene: PAH (phenylalanine hydroxylase; minus strand). Cytogenetic location: 12q23.2.
Variant type: single nucleotide variant.
Coding change: c.820A>G on transcript NM_000277.3 (MANE Select); coding-DNA position 820, A replaced by G.
Protein change: p.Lys274Glu; replaces lysine 274 with glutamic acid.
Molecular consequence: missense variant.
Genome position (GRCh38, 1-based): chr12:102,852,837, T>C on the plus strand (A>G on the coding strand, the complement: PAH is on the minus strand). VCF-style: chr12-102852837-T-C. GRCh37 (hg19) VCF-style: chr12-103246615-T-C.
Other names: NM_000277.2(PAH):c.820A>G; c.820A>G, p.Lys274Glu (NM_001354304.2); short protein forms K274E.
Identifiers: ClinVar variation 102851 (VCV000102851.19), dbSNP rs142934616, ClinGen allele CA229786.

ClinVar aggregate classification (germline): Likely benign. Review status: reviewed by expert panel (3 of 4 stars). 8 submissions from 8 submitters: Likely benign (1). 7 of the submissions do not count toward it. Last evaluated 2018-08-10.

Conditions:
Phenylketonuria (PKU). Also called: Phenylketonuria (PKU); FOLLING DISEASE; OLIGOPHRENIA PHENYLPYRUVICA; Phenylketonurias. Identifiers: Orphanet 716, MedGen C0031485, MONDO:0009861, OMIM 261600. Disease mechanism: loss of function.

Allele frequency attached by ClinVar (database versions not stated): gnomAD exomes 0.00121 and 0.00045; 1000 Genomes Project 30x 0.00453; 1000 Genomes Project 0.00479; gnomAD 0.00496 and 0.00459; ExAC 0.00155; ESP Exome Variant Server 0.00554; TOPMed 0.00520.
gnomAD v4.1: 1,397 of 1,614,002 alleles (0.087%); highest among the groups gnomAD compares: African/African-American, 1.7%; 8 homozygotes.

Submissions (8):

ClinGen PAH Variant Curation Expert Panel
Classification: Likely benign for Phenylketonuria. Last evaluated: 2018-08-10. Review status: reviewed by expert panel. Criteria: ClinGen PAH ACMG Specifications v1. Collection method: curation. Allele origin: germline. Inheritance: Autosomal recessive inheritance.
Comment: PAH-specific ACMG/AMP criteria applied: BS1: MAF= 0.01815 in 1000G. 2 homozygotes in ExAC, 1 homozygote in 1000G.; BS3_Supporting: Enzyme activity of K274E is indistinguishable from that of the wild-type protein. Detailed kinetic analyses of PAH expressed in E. coli showed that the K274E mutant protein has kinetic properties similar to that of the wild-type protein. (PMID:11461196). In summary this variant meets criteria to be classified as likely benign for phenylketonuria in an autosomal recessive manner based on the ACMG/AMP criteria applied as specified by the PAH Expert Panel: (BS1, BS3_Supporting).

Labcorp Genetics (formerly Invitae), Labcorp
Classification: Benign for Phenylketonuria. Last evaluated: 2026-02-04. Review status: criteria provided, single submitter. Criteria: Invitae Variant Classification Sherloc (09022015). Collection method: clinical testing. Allele origin: germline. Not counted in ClinVar's aggregate classification.

Mendelics
Classification: Benign for Phenylketonuria. Last evaluated: 2019-05-28. Review status: criteria provided, single submitter. Criteria: Mendelics Assertion Criteria 2017. Collection method: clinical testing. Allele origin: unknown. Not counted in ClinVar's aggregate classification.

Breakthrough Genomics
Classification: Likely benign. Review status: criteria provided, single submitter. Criteria: ACMG Guidelines, 2015. Collection method: not provided. Allele origin: germline. Inheritance: Autosomal recessive inheritance. Affected: yes. Not counted in ClinVar's aggregate classification.

Natera, Inc.
Classification: Benign for Phenylketonuria. Last evaluated: 2020-04-17. Review status: no assertion criteria provided. Collection method: clinical testing. Allele origin: germline. Not counted in ClinVar's aggregate classification.

CSER _CC_NCGL, University of Washington
Classification: Likely benign for Phenylketonuria. Last evaluated: 2014-06-01. Review status: no assertion criteria provided. Collection method: research. Allele origin: germline. Inheritance: Autosomal recessive inheritance. Study: ESP 6500 variant annotation. Not counted in ClinVar's aggregate classification.
Comment: Variants classified for the Actionable exomic incidental findings in 6503 participants: challenges of variant classification manuscript

Counsyl
Classification: Likely benign for Phenylketonuria. Last evaluated: 2014-03-19. Review status: no assertion criteria provided. Collection method: literature only. Allele origin: unknown. Inheritance: Autosomal recessive inheritance. Not counted in ClinVar's aggregate classification.

DeBelle Laboratory for Biochemical Genetics, MUHC/MCH RESEARCH INSTITUTE
No classification provided. Review status: no classification provided. Collection method: not provided. Allele origin: not provided. Not counted in ClinVar's aggregate classification.

Literature cited by the submitters: PubMed 11461196 (cited by ClinGen PAH Variant Curation Expert Panel and Counsyl); PubMed 11139255 (cited by Counsyl).